The following is an entry in ClinVar:

ClinVar aggregate classification (germline): Uncertain significance (1 of 4 stars; one submission).

Conditions:
Atrioventricular septal defect 5 (AVSD5). Identifiers: MedGen C3280939, MONDO:0013769, OMIM 614474.

Submission:

Victorian Clinical Genetics Services, Murdoch Childrens Research Institute
Classification: Uncertain significance for Atrioventricular septal defect 5. Last evaluated: 2022-02-02. Review status: criteria provided, single submitter. Criteria: ACMG Guidelines, 2015. Collection method: clinical testing. Allele origin: germline. Inheritance: Autosomal dominant inheritance. Affected: yes.
Comment: Based on the classification scheme VCGS_Germline_v1.3.4, this variant is classified as VUS-3C. Following criteria are met: 0103 - Loss of function and gain of function are known mechanisms of disease in this gene and are associated with GATA6-related disease (OMIM). Missense variants have been reported as having both loss- and gain of function effects on transactivation activity (PMID: 19666519, PMID: 20581743). (I) 0107 - This gene is associated with autosomal dominant disease. (I) 0200 - Variant is predicted to result in a missense amino acid change from valine to leucine. (I) 0251 - This variant is heterozygous. (I) 0302 - Variant is present in gnomAD (v3) <0.001 for a dominant condition (1 heterozygote, 0 homozygotes). (SP) 0503 - Missense variant consistently predicted to be tolerated by multiple in silico tools or not conserved in placental mammals with a minor amino acid change. (SB) 0604 - Variant is not located in an established domain, motif, hotspot or informative constraint region. (I) 0710 - Another missense variant comparable to the one identified in this case has inconclusive previous evidence for pathogenicity. This alternative change (p.(Val434Ala)) has been reported as a VUS (ClinVar). (I) 0807 - This variant has no previous evidence of pathogenicity. (I) 0905 - No published segregation evidence has been identified for this variant. (I) 1007 - No published functional evidence has been identified for this variant. (I) 1208 - Inheritance information for this variant is not currently available in this individual. (I) Legend: (SP) - Supporting pathogenic, (I) - Information, (SB) - Supporting benign

Literature cited by the submitters: PubMed 19666519; PubMed 20581743.

NM_005257.6(GATA6):c.1300G>C (p.Val434Leu)

Gene: GATA6 (GATA binding protein 6; plus strand). Cytogenetic location: 18q11.2.
Variant type: single nucleotide variant.
Coding change: c.1300G>C on transcript NM_005257.6 (MANE Select); coding-DNA position 1300, G replaced by C.
Protein change: p.Val434Leu; replaces valine 434 with leucine.
Molecular consequence: missense variant.
Genome position (GRCh38, 1-based): chr18:22,177,119, G>C. VCF-style: chr18-22177119-G-C. GRCh37 (hg19) VCF-style: chr18-19757080-G-C.
Other names: short protein forms V434L.
Identifiers: ClinVar variation 1805135 (VCV001805135.1), dbSNP rs1177329444, ClinGen allele CA401802253.